The following is an entry in ClinVar:

ClinVar aggregate classification (germline): Pathogenic (3 of 4 stars; one submission).

Conditions:
Breast-ovarian cancer, familial, susceptibility to, 1 (BROVCA1). Also called: BRCA1 Hereditary Breast and Ovarian Cancer; OVARIAN CANCER, SUSCEPTIBILITY TO. Identifiers: Orphanet 145, MedGen C2676676, MONDO:0011450, OMIM 604370. Disease mechanism: loss of function.

Submission:

Evidence-based Network for the Interpretation of Germline Mutant Alleles (ENIGMA)
Classification: Pathogenic for Breast-ovarian cancer, familial, susceptibility to, 1. Last evaluated: 2017-12-15. Review status: reviewed by expert panel. Criteria: ENIGMA BRCA1/2 Classification Criteria (2017-06-29). Collection method: curation. Allele origin: germline. Study: ENIGMA.
Comment: Variant allele predicted to encode a truncated non-functional protein.

NM_007294.4(BRCA1):c.2099_2100insA (p.Lys701fs)

Gene: BRCA1 (BRCA1 DNA repair associated; minus strand). Cytogenetic location: 17q21.31.
Variant type: Insertion.
Coding change: c.2099_2100insA on transcript NM_007294.4 (MANE Select); coding-DNA positions 2099 to 2100, A inserted.
Protein change: p.Lys701fs; shifts the reading frame from lysine 701.
Molecular consequence: frameshift variant. On other transcripts: intron variant (137).
Genome position: GRCh38 VCF-style: chr17-43093431-C-CT. GRCh37 (hg19) VCF-style: chr17-41245448-C-CT.
Other names: c.1973_1974insA, p.Lys659fs (NM_001407687.1, NM_001407649.1, NM_001407685.1 and 11 more transcripts); c.1958_1959insA, p.Lys654fs (NM_001407724.1, NM_001407725.1, NM_001407726.1 and 29 more transcripts); c.1886_1887insA, p.Lys630fs (NM_001407571.1, NM_001407853.1, NM_001407894.1 and 9 more transcripts); c.2099_2100insA, p.Lys701fs (NM_001407581.1, NM_001407582.1, NM_001407583.1 and 30 more transcripts); c.2096_2097insA, p.Lys700fs (NM_001407587.1, NM_001407590.1, NM_001407591.1 and 22 more transcripts); c.1955_1956insA, p.Lys653fs (NM_001407742.1, NM_001407743.1, NM_001407744.1 and 20 more transcripts); c.1889_1890insA, p.Lys631fs (NM_001407881.1, NM_001407882.1, NM_001407884.1 and 13 more transcripts); c.2090_2091insA, p.Lys698fs (NM_001407646.1, NM_001407647.1); and 41 more; short protein forms K654fs, K701fs, K405fs, K612fs, K634fs, K674fs, K700fs, K533fs.
Identifiers: ClinVar variation 548158 (VCV000548158.2), dbSNP rs1555590461, ClinGen allele CA658824020.